The following is an entry in ClinVar:

NM_022455.5(NSD1):c.4150C>T (p.Arg1384Trp)

Gene: NSD1 (nuclear receptor binding SET domain protein 1; plus strand). Cytogenetic location: 5q35.3.
Variant type: single nucleotide variant.
Coding change: c.4150C>T on transcript NM_022455.5 (MANE Select); coding-DNA position 4150, C replaced by T.
Protein change: p.Arg1384Trp; replaces arginine 1384 with tryptophan.
Molecular consequence: missense variant.
Genome position (GRCh38, 1-based): chr5:177,238,465, C>T. VCF-style: chr5-177238465-C-T. GRCh37 (hg19) VCF-style: chr5-176665466-C-T.
Other names: c.3277C>T, p.Arg1093Trp (NM_001365684.2, NM_001409306.1, NM_001409307.1 and 3 more transcripts); c.4150C>T, p.Arg1384Trp (NM_001409301.1, NM_001409302.1, NM_001409303.1); c.3730C>T, p.Arg1244Trp (NM_001409304.1); c.3397C>T, p.Arg1133Trp (NM_001409305.1); short protein forms R1115W, R1384W, R1093W, R1244W, R1133W.
Identifiers: ClinVar variation 1309977 (VCV001309977.5), dbSNP rs1765619618, ClinGen allele CA362341494.

ClinVar aggregate classification (germline): Uncertain significance. Review status: criteria provided, multiple submitters, no conflicts (2 of 4 stars). 2 submissions from 2 submitters: Uncertain significance (2). Last evaluated 2020-10-26.

Conditions:
Sotos syndrome (SOTOS). Also called: CHROMOSOME 5q35 DELETION SYNDROME; SOTOS SYNDROME 1; Distinctive facial appearance, overgrowth in childhood, and learning disabilities or delayed development; CEREBRAL GIGANTISM; Sotos' syndrome. Identifiers: Orphanet 821, MedGen C0175695, MONDO:0019349, OMIM 117550.

Allele frequency attached by ClinVar (database versions not stated): gnomAD exomes below 0.00001; gnomAD 0.00001.
gnomAD v4.1: 3 of 1,613,964 alleles (0.00019%); highest among the groups gnomAD compares: African/African-American, 0.0013%; no homozygotes.

Submissions (2):

Revvity Omics, Revvity
Classification: Uncertain significance for Sotos syndrome. Last evaluated: 2020-10-26. Review status: criteria provided, single submitter. Criteria: ACMG Guidelines, 2015. Collection method: clinical testing. Allele origin: germline.

GeneDx
Classification: Uncertain significance. Last evaluated: 2019-11-19. Review status: criteria provided, single submitter. Criteria: GeneDx Variant Classification Process June 2021. Collection method: clinical testing. Allele origin: germline. Affected: yes.
Comment: Not observed in large population cohorts (Lek et al., 2016); In silico analysis, which includes protein predictors and evolutionary conservation, supports that this variant does not alter protein structure/function; Has not been previously published as pathogenic or benign to our knowledge